The following is an entry in ClinVar:

NM_004415.4(DSP):c.1262T>C (p.Leu421Pro)

Gene: DSP (desmoplakin; plus strand). Cytogenetic location: 6p24.3.
Variant type: single nucleotide variant.
Coding change: c.1262T>C on transcript NM_004415.4 (MANE Select); coding-DNA position 1262, T replaced by C.
Protein change: p.Leu421Pro; replaces leucine 421 with proline.
Molecular consequence: missense variant.
Genome position (GRCh38, 1-based): chr6:7,567,902, T>C. VCF-style: chr6-7567902-T-C. GRCh37 (hg19) VCF-style: chr6-7568135-T-C.
Other names: c.1262T>C (LRG_423t1, NM_004415.3); c.1262T>C, p.Leu421Pro (NM_001008844.3, NM_001319034.2); short protein forms L421P.
Identifiers: ClinVar variation 626737 (VCV000626737.16), dbSNP rs763523373, ClinGen allele CA027307.
Genomic context (GRCh38, chr6:7,567,902, plus strand): 5'-AGAAGTACCCCTGCGACAAGAACATGCCCCTGCAGCACCTGCTGGAACAGATCAAGGAGC[T>C]GGAGGTATCGTCTCAGACCCAGAACCTCAGCAGCTGTGCCTGATCAGGGAGATAAAACAC-3'
Protein context (NP_004406.2, residues 411-431): LQHLLEQIKE[Leu421Pro]EKEREKILEY

ClinVar aggregate classification (germline): Conflicting classifications of pathogenicity. Review status: criteria provided, conflicting classifications (1 of 4 stars). 9 submissions from 9 submitters: Uncertain significance (7); Likely benign (1). 1 of the submissions does not count toward it. Last evaluated 2026-01-20.

Conditions:
DSP-related disorder. Also called: DSP-related condition; DSP-related disorders.
Woolly hair-skin fragility syndrome (WHSF). Identifiers: Orphanet 293165, MedGen C1843292, MONDO:0957307, OMIM 620415.
Lethal acantholytic epidermolysis bullosa (EBLA). Identifiers: Orphanet 158687, MedGen C1864826, MONDO:0012323, OMIM 609638.
Arrhythmogenic cardiomyopathy with wooly hair and keratoderma. Also called: Dilated cardiomyopathy with woolly hair and keratoderma; PALMOPLANTAR KERATODERMA WITH LEFT VENTRICULAR CARDIOMYOPATHY AND WOOLLY HAIR; Carvajal syndrome; Arrhythmogenic cardiomyopathy with woolly hair and keratoderma. Identifiers: Orphanet 65282, MedGen C1854063, MONDO:0011581, OMIM 605676.
Arrhythmogenic right ventricular dysplasia 8 (ARVD8). Also called: Arrhythmogenic Right Ventricular Dysplasia/Cardiomyopathy 8; ARRHYTHMOGENIC RIGHT VENTRICULAR DYSPLASIA, FAMILIAL, 8; ARRHYTHMOGENIC RIGHT VENTRICULAR CARDIOMYOPATHY 8. Identifiers: MedGen C1843896, MONDO:0011831, OMIM 607450.
Keratosis palmoplantaris striata 2. Also called: Keratosis palmoplantaris striata II; KERATODERMA, PALMOPLANTAR, STRIATE FORM II; STRIATE PALMOPLANTAR KERATODERMA II. Identifiers: MedGen C1852127, MONDO:0013034, OMIM 612908.
Cardiomyopathy, dilated, with wooly hair, keratoderma, and tooth agenesis. Also called: Cardiomyopathy, dilated, with woolly hair, keratoderma, and tooth agenesis; Erythrokeratodermia-cardiomyopathy syndrome. Identifiers: Orphanet 476096, Orphanet 65282, MedGen C4014393, MONDO:0014355, OMIM 615821.
Cardiomyopathy (CMYO). Also called: Cardiomyopathies. Identifiers: Orphanet 167848, MedGen C0878544, MONDO:0004994, HP:0001638. Inheritance: Various modes of inheritance.
Cardiovascular phenotype. Identifiers: MedGen CN230736.

Allele frequency attached by ClinVar (database versions not stated): ExAC 0.00001; gnomAD 0.00001; gnomAD exomes 0.00001.

Submissions (9):

Labcorp Genetics (formerly Invitae), Labcorp
Classification: Likely benign for Arrhythmogenic cardiomyopathy with wooly hair and keratoderma; Arrhythmogenic right ventricular dysplasia 8. Last evaluated: 2026-01-20. Review status: criteria provided, single submitter. Criteria: Invitae Variant Classification Sherloc (09022015). Collection method: clinical testing. Allele origin: germline.

GeneDx
Classification: Uncertain significance. Last evaluated: 2025-07-11. Review status: criteria provided, single submitter. Criteria: GeneDx Variant Classification Process June 2021. Collection method: clinical testing. Allele origin: germline. Affected: yes.
Comment: Not observed at significant frequency in large population cohorts (gnomAD); In silico analysis supports that this missense variant has a deleterious effect on protein structure/function; Has not been previously published as pathogenic or benign to our knowledge

Dasa
Classification: Uncertain significance. Last evaluated: 2025-06-13. Review status: criteria provided, single submitter. Criteria: DASA Assertion Criteria. Collection method: clinical testing. Allele origin: germline.
Comment: NM_004415.4(DSP):c.1262T>C (p.Leu421Pro) is a missense variant that results in the substitution of leucine with proline. This variant is rare in population databases. Computational prediction algorithms are consistent with a benign effect. The currently available literature and clinical evidence are not sufficient to establish a definitive association between this variant and the reported condition. Therefore, this variant is classified as a variant of uncertain significance.

Ambry Genetics
Classification: Uncertain significance for Cardiovascular phenotype. Last evaluated: 2025-02-04. Review status: criteria provided, single submitter. Criteria: Ambry Variant Classification Scheme 2023. Collection method: clinical testing. Allele origin: germline.
Comment: The p.L421P variant (also known as c.1262T>C), located in coding exon 10 of the DSP gene, results from a T to C substitution at nucleotide position 1262. The leucine at codon 421 is replaced by proline, an amino acid with similar properties. This amino acid position is conserved. In addition, the in silico prediction for this alteration is inconclusive. Based on the available evidence, the clinical significance of this variant remains unclear.

Color Diagnostics, LLC DBA Color Health
Classification: Uncertain significance for Cardiomyopathy. Last evaluated: 2024-03-07. Review status: criteria provided, single submitter. Criteria: ACMG Guidelines, 2015. Collection method: clinical testing. Allele origin: germline.
Comment: This missense variant replaces leucine with proline at codon 421 of the DSP protein. Computational prediction suggests that this variant may not impact protein structure and function (internally defined REVEL score threshold <= 0.5, PMID: 27666373). To our knowledge, functional studies have not been reported for this variant. This variant has not been reported in individuals affected with cardiovascular disorders in the literature. This variant has been identified in 3/282252 chromosomes in the general population by the Genome Aggregation Database (gnomAD). The available evidence is insufficient to determine the role of this variant in disease conclusively. Therefore, this variant is classified as a Variant of Uncertain Significance.

All of Us Research Program, National Institutes of Health
Classification: Uncertain significance for Arrhythmogenic cardiomyopathy with wooly hair and keratoderma. Last evaluated: 2023-11-02. Review status: criteria provided, single submitter. Criteria: ACMG Guidelines, 2015. Collection method: clinical testing. Allele origin: germline. Inheritance: Autosomal dominant inheritance. Observed: 1 variant allele, 1 heterozygote.
Comment: This missense variant replaces leucine with proline at codon 421 of the DSP protein. Computational prediction suggests that this variant may not impact protein structure and function (internally defined REVEL score threshold <= 0.5, PMID: 27666373). To our knowledge, functional studies have not been reported for this variant. This variant has not been reported in individuals affected with cardiovascular disorders in the literature. This variant has been identified in 3/282252 chromosomes in the general population by the Genome Aggregation Database (gnomAD). The available evidence is insufficient to determine the role of this variant in disease conclusively. Therefore, this variant is classified as a Variant of Uncertain Significance.

This study involves interpretation of variants in research participants for the purpose of population health screening. Participant phenotype was not available at the time of variant classification. Additional details can be found in publication PMID: 35346344, PMCID: PMC8962531

Fulgent Genetics
Classification: Uncertain significance for Arrhythmogenic cardiomyopathy with wooly hair and keratoderma; Arrhythmogenic right ventricular dysplasia 8; Lethal acantholytic epidermolysis bullosa; Keratosis palmoplantaris striata 2; Cardiomyopathy, dilated, with wooly hair, keratoderma, and tooth agenesis. Last evaluated: 2021-10-01. Review status: criteria provided, single submitter. Criteria: ACMG Guidelines, 2015. Collection method: clinical testing. Allele origin: unknown.

CHEO Genetics Diagnostic Laboratory, Children's Hospital of Eastern Ontario
Classification: Uncertain significance for Cardiomyopathy. Last evaluated: 2015-12-10. Review status: criteria provided, single submitter. Criteria: ACMG Guidelines, 2015. Collection method: clinical testing. Allele origin: germline. Study: Canadian Open Genetics Repository.

PreventionGenetics, part of Exact Sciences
Classification: Uncertain significance for DSP-related condition. Last evaluated: 2024-09-18. Review status: no assertion criteria provided. Collection method: clinical testing. Allele origin: germline. Not counted in ClinVar's aggregate classification.
Comment: The DSP c.1262T>C variant is predicted to result in the amino acid substitution p.Leu421Pro. To our knowledge, this variant has not been reported in the literature. This variant is reported in 0.0056% of alleles in individuals of Latino descent in gnomAD. At this time, the clinical significance of this variant is uncertain due to the absence of conclusive functional and genetic evidence.